The following is an entry in ClinVar:

NM_000051.4(ATM):c.186-1G>C

Gene: ATM (ATM serine/threonine kinase; plus strand). Cytogenetic location: 11q22.3.
Variant type: single nucleotide variant.
Coding change: c.186-1G>C on transcript NM_000051.4 (MANE Select); the canonical splice acceptor site of the intron before coding-DNA position 186, G replaced by C.
Molecular consequence: splice acceptor variant.
Genome position (GRCh38, 1-based): chr11:108,229,177, G>C. VCF-style: chr11-108229177-G-C. GRCh37 (hg19) VCF-style: chr11-108099904-G-C.
Other names: c.186-1G>C (NM_001351834.2, NM_001351835.2, NM_001351836.2).
Identifiers: ClinVar variation 3232222 (VCV003232222.1), dbSNP rs1259911051, ClinGen allele CA382520988.

ClinVar aggregate classification (germline): Likely pathogenic (1 of 4 stars; one submission).

Conditions:
Hereditary cancer-predisposing syndrome. Also called: Neoplastic Syndromes, Hereditary; Tumor predisposition; Hereditary neoplastic syndrome; Hereditary Cancer Syndrome. Identifiers: Orphanet 140162, MedGen C0027672, MeSH D009386, MONDO:0015356.

Submission:

Ambry Genetics
Classification: Likely pathogenic for Hereditary cancer-predisposing syndrome. Last evaluated: 2024-01-22. Review status: criteria provided, single submitter. Criteria: Ambry Variant Classification Scheme 2023. Collection method: clinical testing. Allele origin: germline.
Comment: The c.186-1G>C intronic variant results from a G to C substitution one nucleotide(s) before coding exon 2 of the ATM gene. This variant is considered to be rare based on population cohorts in the Genome Aggregation Database (gnomAD). This nucleotide position is highly conserved in available vertebrate species. In silico splice site analysis predicts that this alteration will weaken the native splice acceptor site and will result in the creation or strengthening of a novel splice acceptor site. Alterations that disrupt the canonical splice site are expected to cause aberrant splicing, resulting in an abnormal protein or a transcript that is subject to nonsense-mediated mRNA decay. As such, this alteration is classified as likely pathogenic mutation.